The following is an entry in ClinVar:

NM_138694.4(PKHD1):c.11074C>T (p.Arg3692Ter)

Gene: PKHD1 (PKHD1 ciliary IPT domain containing fibrocystin/polyductin; minus strand). Cytogenetic location: 6p12.3.
Variant type: single nucleotide variant.
Coding change: c.11074C>T on transcript NM_138694.4 (MANE Select); coding-DNA position 11074, C replaced by T.
Protein change: p.Arg3692Ter; replaces arginine 3692 with a stop codon.
Molecular consequence: nonsense.
Genome position (GRCh38, 1-based): chr6:51,659,052, G>A on the plus strand (C>T on the coding strand, the complement: PKHD1 is on the minus strand). VCF-style: chr6-51659052-G-A. GRCh37 (hg19) VCF-style: chr6-51523850-G-A.
Other names: short protein forms R3692*.
Identifiers: ClinVar variation 593691 (VCV000593691.54), dbSNP rs769559267, ClinGen allele CA501157.

ClinVar aggregate classification (germline): Pathogenic/Likely pathogenic. Review status: criteria provided, multiple submitters, no conflicts (2 of 4 stars). 13 submissions from 12 submitters: Pathogenic (11); Likely pathogenic (1). 1 of the submissions does not count toward it. Last evaluated 2025-05-21.

Conditions:
Polycystic kidney disease 4 (PKD4). Also called: POLYCYSTIC KIDNEY AND HEPATIC DISEASE 1; POLYCYSTIC KIDNEY DISEASE, INFANTILE, TYPE I; Autosomal Recessive Polycystic Kidney Disease – PKHD1; PKD3; POLYCYSTIC KIDNEY DISEASE 4 WITH OR WITHOUT POLYCYSTIC LIVER DISEASE. Identifiers: MedGen C4540575, MONDO:0033004, OMIM 263200.
Autosomal dominant polycystic liver disease. Also called: Congenital cystic disease of liver; Polycystic liver disease. Identifiers: Orphanet 2924, MedGen C0158683, MONDO:0000447, HP:0006557.
Autosomal recessive polycystic kidney disease (ARPKD). Also called: AR polycystic kidney disease. Identifiers: Orphanet 731, Orphanet 8378, MedGen C0085548, MeSH D017044, MONDO:0009889.
PKHD1-related disorder. Also called: PKHD1-related condition.

Allele frequency attached by ClinVar (database versions not stated): ExAC 0.00001.
gnomAD v4.1: 12 of 1,613,298 alleles (0.00074%); highest among the groups gnomAD compares: Middle Eastern, 0.017%; no homozygotes.

Submissions (13):

Natera, Inc.
Classification: Pathogenic for Autosomal recessive polycystic kidney disease. Last evaluated: 2025-05-21. Review status: criteria provided, single submitter. Criteria: Natera Variant Classification Schema (03/2026). Collection method: clinical testing. Allele origin: germline.
Comment: The c.11074C>T variant in PKHD1 is a nonsense variant predicted to introduce a stop codon at amino acid 3692. This variant is expected to result in nonsense mediated decay, truncation, or a dysfunctional protein product. This variant is rare in the general population with a frequency below the threshold expected for the associated phenotype(s). This variant has been observed in one or more individuals affected with the associated recessive disease, as either homozygous or compound heterozygous with a second variant (PMID: 12874454). Given the available evidence, this variant is classified as Pathogenic.

Fulgent Genetics
Classification: Pathogenic for Polycystic kidney disease 4. Last evaluated: 2024-05-10. Review status: criteria provided, single submitter. Criteria: ACMG Guidelines, 2015. Collection method: clinical testing. Allele origin: germline.

Labcorp Genetics (formerly Invitae), Labcorp
Classification: Pathogenic for Autosomal recessive polycystic kidney disease. Last evaluated: 2024-03-11. Review status: criteria provided, single submitter. Criteria: Invitae Variant Classification Sherloc (09022015). Collection method: clinical testing. Allele origin: germline.
Comment: This sequence change creates a premature translational stop signal (p.Arg3692*) in the PKHD1 gene. It is expected to result in an absent or disrupted protein product. Loss-of-function variants in PKHD1 are known to be pathogenic (PMID: 19940839). The frequency data for this variant in the population databases is considered unreliable, as metrics indicate poor data quality at this position in the gnomAD database. This premature translational stop signal has been observed in individual(s) with polycystic kidney disease (PMID: 12874454). ClinVar contains an entry for this variant (Variation ID: 593691). Algorithms developed to predict the effect of sequence changes on RNA splicing suggest that this variant may disrupt the consensus splice site. For these reasons, this variant has been classified as Pathogenic.

Laboratory of Medical Genetics, National & Kapodistrian University of Athens
Classification: Pathogenic for Polycystic kidney disease 4. Last evaluated: 2024-02-01. Review status: criteria provided, single submitter. Criteria: ACMG Guidelines, 2015. Collection method: curation. Allele origin: germline. Affected: no.

Baylor Genetics
Classification: Pathogenic for Polycystic kidney disease 4. Last evaluated: 2024-01-09. Review status: criteria provided, single submitter. Criteria: ACMG Guidelines, 2015. Collection method: clinical testing. Allele origin: unknown.

Department of Pathology and Laboratory Medicine, Sinai Health System
Classification: Pathogenic for Polycystic kidney disease 4. Last evaluated: 2023-05-03. Review status: criteria provided, single submitter. Criteria: ACMG Guidelines, 2015. Collection method: clinical testing. Allele origin: germline. Affected: yes.

Women's Health and Genetics/Laboratory Corporation of America, LabCorp
Classification: Pathogenic for Autosomal recessive polycystic kidney disease. Last evaluated: 2022-07-14. Review status: criteria provided, single submitter. Criteria: LabCorp Variant Classification Summary - May 2015. Collection method: clinical testing. Allele origin: germline.
Comment: Variant summary: PKHD1 c.11074C>T (p.Arg3692X) results in a premature termination codon, predicted to cause a truncation of the encoded protein or absence of the protein due to nonsense mediated decay, which are commonly known mechanisms for disease. Truncations downstream of this position have been classified as pathogenic by our laboratory. The variant allele was found at a frequency of 8e-06 in 251350 control chromosomes (gnomAD and publication data). c.11074C>T has been reported in the literature in individuals affected with Polycystic Kidney And Hepatic Disease (Furu_2003, Jung_2020, Wicher_2020). These data indicate that the variant may be associated with disease. To our knowledge, no experimental evidence demonstrating an impact on protein function has been reported. Five ClinVar submitters (evaluation after 2014) cite the variant as pathogenic (n-=4) and likely pathogenic (n=1). Based on the evidence outlined above, the variant was classified as pathogenic.

Laboratory of Molecular Genetics, Children's Memorial Health Institute
Classification: Likely pathogenic for Polycystic kidney disease 4. Last evaluated: 2020-09-30. Review status: criteria provided, single submitter. Criteria: ACMG Guidelines, 2015. Collection method: clinical testing. Allele origin: unknown. Inheritance: Autosomal recessive inheritance. Affected: yes. Observed: 1 compound heterozygote.

Blueprint Genetics
Classification: Pathogenic for PKHD1-related disorders. Last evaluated: 2020-05-19. Review status: criteria provided, single submitter. Criteria: ACMG Guidelines, 2015. Collection method: clinical testing. Allele origin: germline. Affected: yes. Observed: 1 variant allele.

Eurofins Ntd Llc (ga)
Classification: Pathogenic. Last evaluated: 2017-08-16. Review status: criteria provided, single submitter. Criteria: EGL Classification Definitions 2015. Collection method: clinical testing. Allele origin: germline. Observed: 1 variant allele, 1 heterozygote.

Baylor Genetics
Classification: Pathogenic for Polycystic kidney disease 4. Review status: criteria provided, single submitter. Criteria: ACMG Guidelines, 2015. Collection method: clinical testing. Allele origin: germline.

Juno Genomics, Hangzhou Juno Genomics, Inc
Classification: Pathogenic for Polycystic kidney disease 4. Review status: criteria provided, single submitter. Criteria: ACMG Guidelines, 2015. Collection method: clinical testing. Allele origin: germline.
Comment: Absent from controls (or at extremely low frequency if recessive) in Genome Aggregation Database.;Null variant in a gene where loss of function (LOF) is a known mechanism of disease.;For recessive disorders, detected in trans with a pathogenic variant.;Patient's phenotype or family history is highly specific for a disease with a single genetic etiology.

Laboratory of Gastroenterology and Hepatology, Radboud University Medical Center
Classification: Pathogenic for Autosomal dominant polycystic liver disease. Last evaluated: 2021-09-01. Review status: no assertion criteria provided. Collection method: research. Allele origin: germline. Affected: yes. Not counted in ClinVar's aggregate classification.

Literature cited by the submitters: PubMed 12874454 (cited by 5 submitters); PubMed 19940839 (cited by Labcorp Genetics (formerly Invitae), Labcorp); PubMed 32384486 (cited by Department of Pathology and Laboratory Medicine, Sinai Health System and Women's Health and Genetics/Laboratory Corporation of America, LabCorp); PubMed 33282801 (cited by Department of Pathology and Laboratory Medicine, Sinai Health System and Women's Health and Genetics/Laboratory Corporation of America, LabCorp); PubMed 30275481 (cited by Women's Health and Genetics/Laboratory Corporation of America, LabCorp); PubMed 31589614 (cited by Women's Health and Genetics/Laboratory Corporation of America, LabCorp).